The following is an entry in ClinVar:

ClinVar aggregate classification (germline): Uncertain significance (1 of 4 stars; one submission).

gnomAD v4.1: 3 of 1,612,910 alleles (0.00019%); highest among the groups gnomAD compares: East Asian, 0.0022%; no homozygotes.

Submission:

Labcorp Genetics (formerly Invitae), Labcorp
Classification: Uncertain significance. Last evaluated: 2021-09-15. Review status: criteria provided, single submitter. Criteria: Invitae Variant Classification Sherloc (09022015). Collection method: clinical testing. Allele origin: germline.
Comment: This sequence change falls in intron 39 of the COL13A1 gene. It does not directly change the encoded amino acid sequence of the COL13A1 protein. It affects a nucleotide within the consensus splice site of the intron. In summary, the available evidence is currently insufficient to determine the role of this variant in disease. Therefore, it has been classified as a Variant of Uncertain Significance. Variants that disrupt the consensus splice site are a relatively common cause of aberrant splicing (PMID: 17576681, 9536098). Algorithms developed to predict the effect of sequence changes on RNA splicing suggest that this variant is not likely to affect RNA splicing. This variant has not been reported in the literature in individuals affected with COL13A1-related conditions. This variant is present in population databases (rs770719420, ExAC 0.001%).

Literature cited by the submitters: PubMed 17576681; PubMed 9536098.

NM_001368882.1(COL13A1):c.2184+6G>C

Gene: COL13A1 (collagen type XIII alpha 1 chain; plus strand). Cytogenetic location: 10q22.1.
Variant type: single nucleotide variant.
Coding change: c.2184+6G>C on transcript NM_001368882.1 (MANE Select); 6 bases into the intron after coding-DNA position 2184, G replaced by C.
Molecular consequence: intron variant.
Genome position (GRCh38, 1-based): chr10:69,957,048, G>C. VCF-style: chr10-69957048-G-C. GRCh37 (hg19) VCF-style: chr10-71716804-G-C.
Other names: c.2040+6G>C (NM_001320951.2); c.1998+6G>C (NM_001368884.1); c.2151+6G>C (NM_001130103.2); c.2085+6G>C (NM_080801.4); c.2004+6G>C (NM_080802.4); c.2058+6G>C (NM_080800.4); c.1431+6G>C (NM_001368886.1); c.2052+6G>C (NM_001368883.1); and 7 more.
Identifiers: ClinVar variation 1442276 (VCV001442276.6), dbSNP rs770719420, ClinGen allele CA5535144.